The following is an entry in ClinVar:

ClinVar aggregate classification (germline): Likely benign. Review status: criteria provided, multiple submitters, no conflicts (2 of 4 stars). 3 submissions from 3 submitters: Likely benign (3). Last evaluated 2024-05-16.

Conditions:
Developmental and epileptic encephalopathy, 12 (DEE12). Identifiers: MedGen C3150988, MONDO:0013389, OMIM 613722.

Allele frequency attached by ClinVar (database versions not stated): TOPMed 0.00001.
gnomAD v4.1: 30 of 1,613,830 alleles (0.0019%); highest among the groups gnomAD compares: Non-Finnish European, 0.0023%; no homozygotes.

Submissions (3):

Blueprint Genetics
Classification: Likely benign. Last evaluated: 2024-05-16. Review status: criteria provided, single submitter. Criteria: ACMG Guidelines, 2015. Collection method: clinical testing. Allele origin: germline.

Labcorp Genetics (formerly Invitae), Labcorp
Classification: Likely benign for Developmental and epileptic encephalopathy, 12. Last evaluated: 2023-04-07. Review status: criteria provided, single submitter. Criteria: Invitae Variant Classification Sherloc (09022015). Collection method: clinical testing. Allele origin: germline.

GeneDx
Classification: Likely benign. Last evaluated: 2016-11-14. Review status: criteria provided, single submitter. Criteria: GeneDx Variant Classification (06012015). Collection method: clinical testing. Allele origin: germline. Affected: yes.
Comment: This variant is considered likely benign or benign based on one or more of the following criteria: it is a conservative change, it occurs at a poorly conserved position in the protein, it is predicted to be benign by multiple in silico algorithms, and/or has population frequency not consistent with disease.

NM_007254.4(PNKP):c.817-17A>G

Gene: PNKP (polynucleotide kinase 3'-phosphatase; minus strand). Cytogenetic location: 19q13.33.
Variant type: single nucleotide variant.
Coding change: c.817-17A>G on transcript NM_007254.4 (MANE Select); 17 bases into the intron before coding-DNA position 817, A replaced by G.
Molecular consequence: intron variant.
Genome position (GRCh38, 1-based): chr19:49,862,755, T>C on the plus strand (A>G on the coding strand, the complement: PNKP is on the minus strand). VCF-style: chr19-49862755-T-C. GRCh37 (hg19) VCF-style: chr19-50366012-T-C.
Identifiers: ClinVar variation 390965 (VCV000390965.10), dbSNP rs759404435, ClinGen allele CA16608212.
Genomic context (GRCh38, chr19:49,862,755, plus strand): 5'-ACAAAGATGCTGTCCCCGATGGATATGGGCGTGCCGTCGTTGGCCTACGGGAGACGGTAG[T>C]GAGGAGGCCCTTCCCACAAATGTCCCCCCGCAGCGGTAGCGGGTCCCTGGGGCTGCTTCG-3'